The following is an entry in ClinVar:

NM_001267550.2(TTN):c.70455C>T (p.Ala23485=)

Genes: TTN (titin; minus strand), TTN-AS1 (TTN antisense RNA 1; plus strand), LOC126806422 (BRD4-independent group 4 enhancer GRCh37_chr2:179440205-179441404; plus strand). Cytogenetic location: 2q31.2.
Variant type: single nucleotide variant.
Coding change: c.70455C>T on transcript NM_001267550.2 (MANE Select); coding-DNA position 70455, C replaced by T.
Protein change: p.Ala23485=; no amino-acid change (alanine 23485 retained).
Molecular consequence: synonymous variant.
Genome position (GRCh38, 1-based): chr2:178,575,677, G>A on the plus strand (C>T on the coding strand, the complement: TTN is on the minus strand). VCF-style: chr2-178575677-G-A. GRCh37 (hg19) VCF-style: chr2-179440404-G-A.
Other names: c.65532C>T, p.Ala21844= (NM_001256850.1); c.43260C>T, p.Ala14420= (NM_003319.4); c.62751C>T, p.Ala20917= (NM_133378.4); c.43635C>T, p.Ala14545= (NM_133432.3); c.43836C>T, p.Ala14612= (NM_133437.4).
Identifiers: ClinVar variation 535076 (VCV000535076.17), dbSNP rs759693169, ClinGen allele CA1990780.

ClinVar aggregate classification (germline): Likely benign. Review status: criteria provided, multiple submitters, no conflicts (2 of 4 stars). 5 submissions from 5 submitters: Likely benign (4). 1 of the submissions does not count toward it. Last evaluated 2025-11-12.

Conditions:
TTN-related disorder. Also called: TTN-related disorders; TTN-related condition; TTN-related disease.
Autosomal recessive limb-girdle muscular dystrophy type 2J (LGMDR10). Also called: Limb-girdle muscular dystrophy, type 2J; MUSCULAR DYSTROPHY, LIMB-GIRDLE, AUTOSOMAL RECESSIVE 10. Identifiers: Orphanet 140922, MedGen C1837342, MONDO:0012127, OMIM 608807.
Dilated cardiomyopathy 1G (CMD1G). Identifiers: Orphanet 154, MedGen C1858763, MONDO:0011400, OMIM 604145.
Cardiovascular phenotype. Identifiers: MedGen CN230736.

Allele frequency attached by ClinVar (database versions not stated): TOPMed below 0.00001; gnomAD 0.00001; ExAC 0.00002; gnomAD exomes 0.00002.
gnomAD v4.1: 12 of 1,613,388 alleles (0.00074%); highest among the groups gnomAD compares: Admixed American, 0.01%; no homozygotes.

Submissions (5):

Labcorp Genetics (formerly Invitae), Labcorp
Classification: Likely benign for Dilated cardiomyopathy 1G; Autosomal recessive limb-girdle muscular dystrophy type 2J. Last evaluated: 2025-11-12. Review status: criteria provided, single submitter. Criteria: Invitae Variant Classification Sherloc (09022015). Collection method: clinical testing. Allele origin: germline.

ARUP Laboratories, Molecular Genetics and Genomics, ARUP Laboratories
Classification: Likely benign. Last evaluated: 2023-04-20. Review status: criteria provided, single submitter. Criteria: ARUP Molecular Germline Variant Investigation Process 2024. Collection method: clinical testing. Allele origin: germline.

Ambry Genetics
Classification: Likely benign for Cardiovascular phenotype. Last evaluated: 2021-04-15. Review status: criteria provided, single submitter. Criteria: Ambry Variant Classification Scheme 2023. Collection method: clinical testing. Allele origin: germline.

GeneDx
Classification: Likely benign. Last evaluated: 2020-03-04. Review status: criteria provided, single submitter. Criteria: GeneDx Variant Classification Process June 2021. Collection method: clinical testing. Allele origin: germline. Affected: yes.

PreventionGenetics, part of Exact Sciences
Classification: Likely benign for TTN-related condition. Last evaluated: 2021-05-04. Review status: no assertion criteria provided. Collection method: clinical testing. Allele origin: germline. Not counted in ClinVar's aggregate classification.
Comment: This variant is classified as likely benign based on ACMG/AMP sequence variant interpretation guidelines (Richards et al. 2015 PMID: 25741868, with internal and published modifications).